The following is an entry in ClinVar:

NM_000925.4(PDHB):c.487G>C (p.Ala163Pro)

Gene: PDHB (pyruvate dehydrogenase E1 subunit beta; minus strand). Cytogenetic location: 3p14.3.
Variant type: single nucleotide variant.
Coding change: c.487G>C on transcript NM_000925.4 (MANE Select); coding-DNA position 487, G replaced by C.
Protein change: p.Ala163Pro; replaces alanine 163 with proline.
Molecular consequence: missense variant. On other transcripts: non-coding transcript variant (1).
Genome position (GRCh38, 1-based): chr3:58,430,759, C>G on the plus strand (G>C on the coding strand, the complement: PDHB is on the minus strand). VCF-style: chr3-58430759-C-G. GRCh37 (hg19) VCF-style: chr3-58416486-C-G.
Other names: c.433G>C, p.Ala145Pro (NM_001173468.2, NM_001315536.2); short protein forms A163P, A145P.
Identifiers: ClinVar variation 3709317 (VCV003709317.2).
Genomic context (GRCh38, chr3:58,430,759, plus strand): 5'-CATCCTCTGAATTCCAGGGACTGACCACCTTTAAGCCTGGGCAGTGCCCATACCAGGCAG[C>G]AAAGCACTGTGAGTGCTGGGCAGCTACACCTGCTGAGGCACCATTGGGCCCTCTGAAGAC-3'
Protein context (NP_000916.2, residues 153-173): GVAAQHSQCF[Ala163Pro]AWYGHCPGLK

ClinVar aggregate classification (germline): Uncertain significance (1 of 4 stars; one submission).

Conditions:
Pyruvate dehydrogenase E1-beta deficiency (PDHBD). Identifiers: Orphanet 255138, Orphanet 765, MedGen C3279841, MONDO:0013580, OMIM 614111.

Submission:

Labcorp Genetics (formerly Invitae), Labcorp
Classification: Uncertain significance for Pyruvate dehydrogenase E1-beta deficiency. Last evaluated: 2024-11-04. Review status: criteria provided, single submitter. Criteria: Invitae Variant Classification Sherloc (09022015). Collection method: clinical testing. Allele origin: germline.
Comment: This sequence change replaces alanine, which is neutral and non-polar, with proline, which is neutral and non-polar, at codon 163 of the PDHB protein (p.Ala163Pro). This variant is not present in population databases (gnomAD no frequency). This missense change has been observed in individual(s) with pyruvate dehydrogenase deficiency (internal data). Invitae Evidence Modeling of protein sequence and biophysical properties (such as structural, functional, and spatial information, amino acid conservation, physicochemical variation, residue mobility, and thermodynamic stability) indicates that this missense variant is expected to disrupt PDHB protein function with a positive predictive value of 80%. In summary, the available evidence is currently insufficient to determine the role of this variant in disease. Therefore, it has been classified as a Variant of Uncertain Significance.